The following is an entry in ClinVar:

ClinVar aggregate classification (germline): Conflicting classifications of pathogenicity. Review status: criteria provided, conflicting classifications (1 of 4 stars). 27 submissions from 26 submitters: Likely pathogenic (14); Uncertain significance (9). 4 of the submissions do not count toward it. Last evaluated 2026-07-26.

Conditions:
CHEK2-related disorder.
Predisposition to cancer.
Breast and/or ovarian cancer. Identifiers: MedGen CN221562.
Hereditary cancer-predisposing syndrome. Also called: Tumor predisposition; Hereditary neoplastic syndrome; Neoplastic Syndromes, Hereditary; Hereditary Cancer Syndrome. Identifiers: Orphanet 140162, MedGen C0027672, MeSH D009386, MONDO:0015356.
Hereditary breast ovarian cancer syndrome. Also called: Hereditary breast and ovarian cancer syndrome (HBOC); Hereditary breast and ovarian cancer; Hereditary breast and ovarian cancer syndrome; Breast and ovarian cancer; Hereditary breast and/or ovarian cancer syndrome; BRCA1- and BRCA2-Associated Hereditary Breast and Ovarian Cancer. Identifiers: Orphanet 145, MedGen C0677776, MeSH D061325, MONDO:0003582. Disease mechanism: loss of function.
Breast-ovarian cancer, familial, susceptibility to, 1 (BROVCA1). Also called: BRCA1 Hereditary Breast and Ovarian Cancer; OVARIAN CANCER, SUSCEPTIBILITY TO. Identifiers: Orphanet 145, MedGen C2676676, MONDO:0011450, OMIM 604370. Disease mechanism: loss of function.
CHEK2-related cancer predisposition (TPDS4). Also called: TUMOR PREDISPOSITION SYNDROME 4; CANCER PREDISPOSITION SYNDROME, CHEK2-RELATED; CHEK2-related cancer susceptibility. Identifiers: Orphanet 524, MedGen C5882668, MONDO:0700271, OMIM 609265.
Familial cancer of breast. Also called: Hereditary breast cancer; hereditary breast carcinoma; BREAST CANCER, FAMILIAL. Identifiers: Orphanet 227535, MedGen C0346153, MONDO:0016419, OMIM 114480. Disease mechanism: loss of function.

Allele frequency attached by ClinVar (database versions not stated): gnomAD exomes 0.00004 and 0.00006; TOPMed 0.00006; ExAC 0.00007; gnomAD 0.00007; ESP Exome Variant Server 0.00027.
gnomAD v4.1: 73 of 1,596,022 alleles (0.0046%); highest among the groups gnomAD compares: Non-Finnish European, 0.0056%; no homozygotes.

Submissions 1 to 8 of 27:

GeneDx
Classification: Likely pathogenic. Last evaluated: 2026-07-26. Review status: criteria provided, single submitter. Criteria: GeneDx Variant Classification Process June 2021. Collection method: clinical testing. Allele origin: germline.
Comment: Published functional studies demonstrate a damaging effect: decreased autophosphorylation, kinase activity, and protein stability (PMID: 31050813, 34903604, 37449874); In silico analysis supports that this missense variant has a deleterious effect on protein structure/function; Not observed at significant frequency in large population cohorts (gnomAD); Also known as c.1550G>A p.(R517H); This variant is associated with the following publications: (PMID: 40335619, 26506619, 25452441, 31050813, 30303537, 30333958, 30374176, 31422574, 25186627, 30613976, 33471991, 29522266, 25085752, 34903604, 35534704, 34326862, 36288950, 37449874, 38572560, 38476463, 22419737, 19782031, 39594831, 38496821, 39684258, 38773787, 40926526)

PreventionGenetics, part of Exact Sciences
Classification: Uncertain significance for CHEK2-related condition. Last evaluated: 2026-07-21. Review status: criteria provided, single submitter. Criteria: ACMG Guidelines, 2015. Collection method: clinical testing. Allele origin: germline.
Comment: The CHEK2 c.1421G>A variant is predicted to result in the amino acid substitution p.Arg474His. This variant, also described as c.1550G>A, p.Arg517His on the NM_01005735 transcript, has been reported in multiple individuals with breast cancer (Couch et al. 2015. PubMed ID: 25452441; Hauke et al. 2018. PubMed ID: 29522266; Rizzolo et al. 2019. PubMed ID: 30613976). This variant has also been reported in cohorts of individuals diagnosed with non-Hodgkin lymphoma (Havranek et al. 2015. PubMed ID: 26506619), ovarian cancer (Kleiblova et al. 2019. PubMed ID: 31050813), and clear cell renal carcinoma (Han et al. 2024. PubMed ID: 38496821). In vitro functional studies have demonstrated that this variant leads to reduced CHEK2 kinase activity (Kleiblova et al. 2019. PubMed ID: 31050813; Boonen et al. 2022. PubMed ID: 34903604; Stolarova et al. 2023. PubMed ID: 37449874). This variant is reported in 0.021% of alleles in individuals of African descent in gnomAD and has conflicting interpretations in ClinVar ranging from uncertain to likely pathogenic (Variation ID: 126910). Although we suspect that this variant may be pathogenic, the clinical significance of this variant is uncertain at this time due to the absence of conclusive functional and genetic evidence.

CeGaT Center for Human Genetics Tuebingen
Classification: Likely pathogenic. Last evaluated: 2026-07-01. Review status: criteria provided, single submitter. Criteria: CeGaT Center For Human Genetics Tuebingen Variant Classification Criteria Version 2. Collection method: clinical testing. Allele origin: germline. Affected: yes. Observed: 9 variant alleles.
Comment: CHEK2: PS3, PM5, PS4:Moderate, PM2:Supporting

Ambry Genetics
Classification: Uncertain significance for Hereditary cancer-predisposing syndrome. Last evaluated: 2026-05-18. Review status: criteria provided, single submitter. Criteria: Ambry Variant Classification Scheme 2023. Collection method: clinical testing. Allele origin: germline.
Comment: The p.R474H variant (also known as c.1421G>A), located in coding exon 12 of the CHEK2 gene, results from a G to A substitution at nucleotide position 1421. The arginine at codon 474 is replaced by histidine, an amino acid with highly similar properties. This alteration has been detected in multiple cohorts of individuals diagnosed with lymphoma, breast, colon and/or ovarian cancer (Havranek O et al. PLoS ONE. 2015 Oct;10:e0140819; Tung N et al. Cancer, 2015 Jan;121:25-33; Brovkina OI et al. Front Oncol. 2018 Oct 2;8:421; Hauke J et al. Cancer Med, 2018 04;7:1349-1358; Girard E et al. Int J Cancer, 2019 04;144:1962-1974; Dorling et al. N Engl J Med. 2021 02;384:428-439; G&uuml;le&ccedil; Ceylan G et al. Tohoku J Exp Med, 2022 Nov;258:319-325). This variant was non-functional in an in vitro kinase assay and a human cell-based kinase assays measuring KAP1 phosphorylation and CHK2 autophosphorylation (Kleiblov&aacute; P et al. Klin Onkol, 2019;32:36-50; Stolarova L et al. Clin Cancer Res. 2023 Aug;29(16):3037-3050). In a mouse embryonic stem cell-based system, this alteration was found to be damaging to Kap1 phosphorylation (Boonen RACM et al. Cancer Res, 2022 02;82:615-631). This amino acid position is highly conserved in available vertebrate species. In addition, this alteration is predicted to be deleterious by in silico analysis. Since supporting evidence is limited at this time, the clinical significance of this alteration remains unclear.

Institute of Human Genetics, FAU Erlangen, Friedrich-Alexander-Universität Erlangen-Nürnberg
Classification: Likely pathogenic. Last evaluated: 2026-02-02. Review status: criteria provided, single submitter. Criteria: Hauer et al. (Genet Med. 2018). Collection method: clinical testing. Allele origin: germline. Inheritance: Unknown mechanism. Affected: yes. Observed: 1 variant allele.
Comment: This variant has been identified by standard clinical testing.

Labcorp Genetics (formerly Invitae), Labcorp
Classification: Uncertain significance for Familial cancer of breast. Last evaluated: 2026-01-31. Review status: criteria provided, single submitter. Criteria: Invitae Variant Classification Sherloc (09022015). Collection method: clinical testing. Allele origin: germline.
Comment: This sequence change replaces arginine, which is basic and polar, with histidine, which is basic and polar, at codon 474 of the CHEK2 protein (p.Arg474His). This variant is present in population databases (rs121908706, gnomAD 0.02%). This missense change has been observed in individual(s) with breast and/or ovarian cancer and non-Hodgkin lymphoma (PMID: 25186627, 25452441, 26506619, 30303537, 30333958, 30613976, 31050813, 34903604, 35534704). This variant is also known as p.Arg517His. ClinVar contains an entry for this variant (Variation ID: 126910). An algorithm developed to predict the effect of missense changes on protein structure and function (PolyPhen-2) suggests that this variant is likely to be disruptive. Experimental studies have shown that this missense change affects CHEK2 function (PMID: 31050813, 34903604, 37449874). In summary, the available evidence is currently insufficient to determine the role of this variant in disease. Therefore, it has been classified as a Variant of Uncertain Significance.

Center for Genomic Medicine, Rigshospitalet, Copenhagen University Hospital
Classification: Likely pathogenic. Last evaluated: 2025-12-29. Review status: criteria provided, single submitter. Criteria: ACMG Guidelines, 2015. Collection method: clinical testing. Allele origin: germline.

Otogenetics
Classification: Likely pathogenic for CHEK2-related cancer predisposition. Last evaluated: 2025-11-19. Review status: criteria provided, single submitter. Criteria: ACMG Guidelines, 2015. Collection method: clinical testing. Allele origin: germline.
Comment: PM1: Non-truncating non-synonymous variant located in a mutational hot spot and well-established functional domain (serine/threonine kinase domain) of protein product (PMID: 35643632); PM2: Maximum gnomAD MAF of 0.0213% in African (AFR) subpopulation (<0.248% threshold); PM5: Likely pathogenic missense amino acid changes occur in same position: c.1420C>T;p.Arg474Cys and c.1421G>T;p.Arg474Leu (PMID: 27900359; 34903604); PP3: In-silico models predict deleterious effect (Revel = 0.87, BayesDel = 0.39)

NM_007194.4(CHEK2):c.1421G>A (p.Arg474His)

Gene: CHEK2 (checkpoint kinase 2; minus strand). Cytogenetic location: 22q12.1.
Variant type: single nucleotide variant.
Coding change: c.1421G>A on transcript NM_007194.4 (MANE Select); coding-DNA position 1421, G replaced by A.
Protein change: p.Arg474His; replaces arginine 474 with histidine.
Molecular consequence: missense variant.
Genome position (GRCh38, 1-based): chr22:28,694,072, C>T on the plus strand (G>A on the coding strand, the complement: CHEK2 is on the minus strand). VCF-style: chr22-28694072-C-T. GRCh37 (hg19) VCF-style: chr22-29090060-C-T.
Other names: chr22:29,090,060C>T; p.R474H:CGT>CAT; c.1550G>A, p.Arg517His (NM_001005735.3); c.758G>A, p.Arg253His (NM_001257387.3); c.1220G>A, p.Arg407His (NM_001349956.3); c.1334G>A, p.Arg445His (NM_145862.3); short protein forms R474H, R253H, R445H, R517H, R407H.
Identifiers: ClinVar variation 126910 (VCV000126910.101), dbSNP rs121908706, ClinGen allele CA230684.